The following is an entry in ClinVar:

ClinVar aggregate classification (germline): Likely benign (1 of 4 stars; one submission).

Allele frequency attached by ClinVar (database versions not stated): gnomAD exomes below 0.00001; ExAC 0.00001; gnomAD 0.00001; TOPMed 0.00001.
gnomAD v4.1: 3 of 1,612,608 alleles (0.00019%); highest among the groups gnomAD compares: Non-Finnish European, 0.00025%; no homozygotes.

Submission:

CeGaT Center for Human Genetics Tuebingen
Classification: Likely benign. Last evaluated: 2024-03-01. Review status: criteria provided, single submitter. Criteria: CeGaT Center For Human Genetics Tuebingen Variant Classification Criteria Version 2. Collection method: clinical testing. Allele origin: germline. Affected: yes. Observed: 1 variant allele.
Comment: ACADM: BP4, BP7

NM_000016.6(ACADM):c.286+223C>T

Gene: ACADM (acyl-CoA dehydrogenase medium chain; plus strand). Cytogenetic location: 1p31.1.
Variant type: single nucleotide variant.
Coding change: c.286+223C>T on transcript NM_000016.6 (MANE Select); 223 bases into the intron after coding-DNA position 286, C replaced by T.
Molecular consequence: intron variant. On other transcripts: synonymous variant (1).
Genome position (GRCh38, 1-based): chr1:75,733,145, C>T. VCF-style: chr1-75733145-C-T. GRCh37 (hg19) VCF-style: chr1-76198830-C-T.
Other names: c.381C>T, p.Asn127= (NM_001286043.2); c.298+223C>T (NM_001127328.3); c.178+223C>T (NM_001286042.2); c.-100+223C>T (NM_001286044.2).
Identifiers: ClinVar variation 3234594 (VCV003234594.20), dbSNP rs755476467, ClinGen allele CA913039.